The following is an entry in ClinVar:

ClinVar aggregate classification (germline): Pathogenic (1 of 4 stars; one submission).

Submission:

GeneDx
Classification: Pathogenic. Last evaluated: 2012-09-04. Review status: criteria provided, single submitter. Criteria: GeneDx Variant Classification (06012015). Collection method: clinical testing. Allele origin: germline. Affected: yes.
Comment: Although the c.2527-1 G>A mutation has not been reported as a disease-causing mutation or as a benign polymorphism to our knowledge, this mutation destroys the canonical splice acceptor site in intron 20 and is predicted to cause abnormal gene splicing. The mutation is predicted to lead to either an abnormal message that is subject to nonsense-mediated mRNA decay, or to an abnormal protein product if the message is used for protein translation. In summary, c.2527-1 G>A in the ACTN2 gene is interpreted as a disease-causing mutation. The variant is found in DCM panel(s).

NM_001103.4(ACTN2):c.2527-1G>A

Gene: ACTN2 (actinin alpha 2; plus strand). Cytogenetic location: 1q43.
Variant type: single nucleotide variant.
Coding change: c.2527-1G>A on transcript NM_001103.4 (MANE Select); the canonical splice acceptor site of the intron before coding-DNA position 2527, G replaced by A.
Molecular consequence: splice acceptor variant.
Genome position (GRCh38, 1-based): chr1:236,762,460, G>A. VCF-style: chr1-236762460-G-A. GRCh37 (hg19) VCF-style: chr1-236925760-G-A.
Other names: c.2527-1G>A (NM_001278343.2).
Identifiers: ClinVar variation 201635 (VCV000201635.1), dbSNP rs794728966, ClinGen allele CA335020.
Genomic context (GRCh38, chr1:236,762,460, plus strand): 5'-AGACTGTTTATGTTGTGGTGTTTCTGCAACTGACTGCAAACACGTGTGTATTTTTTCCCA[G>A]CCATACATCCTGGCGGAGGAGCTGCGTCGGGAGCTGCCCCCGGATCAGGCCCAGTACTGC-3'